The following is an entry in ClinVar:

NM_020754.4(ARHGAP31):c.3490G>A (p.Asp1164Asn)

Gene: ARHGAP31 (Rho GTPase activating protein 31; plus strand). Cytogenetic location: 3q13.33.
Variant type: single nucleotide variant.
Coding change: c.3490G>A on transcript NM_020754.4 (MANE Select); coding-DNA position 3490, G replaced by A.
Protein change: p.Asp1164Asn; replaces aspartic acid 1164 with asparagine.
Molecular consequence: missense variant.
Genome position (GRCh38, 1-based): chr3:119,415,419, G>A. VCF-style: chr3-119415419-G-A. GRCh37 (hg19) VCF-style: chr3-119134266-G-A.
Other names: short protein forms D1164N.
Identifiers: ClinVar variation 3688679 (VCV003688679.2).

ClinVar aggregate classification (germline): Uncertain significance (1 of 4 stars; one submission).

gnomAD v4.1: 1 of 1,613,996 alleles (0.000062%); highest among the groups gnomAD compares: Non-Finnish European, 0.000085%; no homozygotes.

Submission:

Labcorp Genetics (formerly Invitae), Labcorp
Classification: Uncertain significance. Last evaluated: 2025-07-14. Review status: criteria provided, single submitter. Criteria: Invitae Variant Classification Sherloc (09022015). Collection method: clinical testing. Allele origin: germline.
Comment: This sequence change replaces aspartic acid, which is acidic and polar, with asparagine, which is neutral and polar, at codon 1164 of the ARHGAP31 protein (p.Asp1164Asn). This variant is not present in population databases (gnomAD no frequency). This variant has not been reported in the literature in individuals affected with ARHGAP31-related conditions. ClinVar contains an entry for this variant (Variation ID: 3688679). An algorithm developed to predict the effect of missense changes on protein structure and function (PolyPhen-2) suggests that this variant is likely to be disruptive. In summary, the available evidence is currently insufficient to determine the role of this variant in disease. Therefore, it has been classified as a Variant of Uncertain Significance.